The following is an entry in ClinVar:

ClinVar aggregate classification (germline): Uncertain significance (1 of 4 stars; one submission).

Submission:

Labcorp Genetics (formerly Invitae), Labcorp
Classification: Uncertain significance. Last evaluated: 2025-10-13. Review status: criteria provided, single submitter. Criteria: Invitae Variant Classification Sherloc (09022015). Collection method: clinical testing. Allele origin: germline.
Comment: This sequence change replaces aspartic acid, which is acidic and polar, with valine, which is neutral and non-polar, at codon 156 of the PLEKHM2 protein (p.Asp156Val). This variant is not present in population databases (gnomAD no frequency). This variant has not been reported in the literature in individuals affected with PLEKHM2-related conditions. An algorithm developed to predict the effect of missense changes on protein structure and function (PolyPhen-2) suggests that this variant is likely to be disruptive. In summary, the available evidence is currently insufficient to determine the role of this variant in disease. Therefore, it has been classified as a Variant of Uncertain Significance.

NM_015164.4(PLEKHM2):c.467A>T (p.Asp156Val)

Gene: PLEKHM2 (pleckstrin homology and RUN domain containing M2; plus strand). Cytogenetic location: 1p36.21.
Variant type: single nucleotide variant.
Coding change: c.467A>T on transcript NM_015164.4 (MANE Select); coding-DNA position 467, A replaced by T.
Protein change: p.Asp156Val; replaces aspartic acid 156 with valine.
Molecular consequence: missense variant.
Genome position (GRCh38, 1-based): chr1:15,719,735, A>T. VCF-style: chr1-15719735-A-T. GRCh37 (hg19) VCF-style: chr1-16046230-A-T.
Other names: c.467A>T, p.Asp156Val (NM_001410755.1); short protein forms D156V.
Identifiers: ClinVar variation 4812751 (VCV004812751.1).